The following is an entry in ClinVar:

NM_000038.6(APC):c.8447G>A (p.Arg2816Gln)

Gene: APC (APC regulator of Wnt signaling pathway; plus strand). Cytogenetic location: 5q22.2.
Variant type: single nucleotide variant.
Coding change: c.8447G>A on transcript NM_000038.6 (MANE Select); coding-DNA position 8447, G replaced by A.
Protein change: p.Arg2816Gln; replaces arginine 2816 with glutamine.
Molecular consequence: missense variant.
Genome position (GRCh38, 1-based): chr5:112,844,041, G>A. VCF-style: chr5-112844041-G-A. GRCh37 (hg19) VCF-style: chr5-112179738-G-A.
Other names: c.8447G>A, p.Arg2816Gln (NM_001127510.3, NM_001354895.2); c.8393G>A, p.Arg2798Gln (NM_001127511.3); c.8501G>A, p.Arg2834Gln (NM_001354896.2); c.8477G>A, p.Arg2826Gln (NM_001354897.2); c.8372G>A, p.Arg2791Gln (NM_001354898.2); c.8363G>A, p.Arg2788Gln (NM_001354899.2); c.8324G>A, p.Arg2775Gln (NM_001354900.2); c.8270G>A, p.Arg2757Gln (NM_001354901.2); and 5 more; short protein forms R2798Q, R2816Q, R2656Q, R2690Q, R2826Q, R2533Q, R2834Q, R2715Q.
Identifiers: ClinVar variation 419681 (VCV000419681.22), dbSNP rs769704991, ClinGen allele CA050856.
Genomic context (GRCh38, chr5:112,844,041, plus strand): 5'-ATAGCACTTCAGCTCGGCCATCTCAGATCCCAACTCCAGTGAATAACAACACAAAGAAGC[G>A]AGATTCCAAAACTGACAGCACAGAATCCAGTGGAACCCAAAGTCCTAAGCGCCATTCTGG-3'
Protein context (NP_000029.2, residues 2806-2826): PTPVNNNTKK[Arg2816Gln]DSKTDSTESS

ClinVar aggregate classification (germline): Conflicting classifications of pathogenicity. Review status: criteria provided, conflicting classifications (1 of 4 stars). 8 submissions from 8 submitters: Uncertain significance (6); Likely benign (2). Last evaluated 2025-10-29.

Conditions:
Hereditary cancer-predisposing syndrome. Also called: Hereditary neoplastic syndrome; Tumor predisposition; Neoplastic Syndromes, Hereditary; Hereditary Cancer Syndrome. Identifiers: Orphanet 140162, MedGen C0027672, MeSH D009386, MONDO:0015356.
Familial adenomatous polyposis 1 (FAP1). Also called: FAMILIAL ADENOMATOUS POLYPOSIS 1, ATTENUATED; POLYPOSIS, ADENOMATOUS INTESTINAL. Identifiers: MedGen C2713442, MONDO:0021056, OMIM 175100. Disease mechanism: loss of function.
Classic or attenuated familial adenomatous polyposis. Identifiers: MedGen CN372698, MONDO:0021057.

Allele frequency attached by ClinVar (database versions not stated): ExAC 0.00001; gnomAD 0.00001; gnomAD exomes 0.00001; TOPMed 0.00002.
gnomAD v4.1: 5 of 1,602,342 alleles (0.00031%); highest among the groups gnomAD compares: Admixed American, 0.0053%; no homozygotes.

Submissions (8):

Labcorp Genetics (formerly Invitae), Labcorp
Classification: Uncertain significance for Familial adenomatous polyposis 1. Last evaluated: 2025-10-29. Review status: criteria provided, single submitter. Criteria: Invitae Variant Classification Sherloc (09022015). Collection method: clinical testing. Allele origin: germline.
Comment: This sequence change replaces arginine, which is basic and polar, with glutamine, which is neutral and polar, at codon 2816 of the APC protein (p.Arg2816Gln). This variant is present in population databases (rs769704991, gnomAD 0.007%). This variant has not been reported in the literature in individuals affected with APC-related conditions. ClinVar contains an entry for this variant (Variation ID: 419681). Invitae Evidence Modeling of protein sequence and biophysical properties (such as structural, functional, and spatial information, amino acid conservation, physicochemical variation, residue mobility, and thermodynamic stability) indicates that this missense variant is not expected to disrupt APC protein function with a negative predictive value of 95%. In summary, the available evidence is currently insufficient to determine the role of this variant in disease. Therefore, it has been classified as a Variant of Uncertain Significance.

Center for Genomic Medicine, Rigshospitalet, Copenhagen University Hospital
Classification: Likely benign. Last evaluated: 2025-03-04. Review status: criteria provided, single submitter. Criteria: ACMG Guidelines, 2015. Collection method: clinical testing. Allele origin: germline.
Comment: Classification criteria: BP4, BS1

Women's Health and Genetics/Laboratory Corporation of America, LabCorp
Classification: Uncertain significance. Last evaluated: 2024-10-11. Review status: criteria provided, single submitter. Criteria: LabCorp Variant Classification Summary - May 2015. Collection method: clinical testing. Allele origin: germline.
Comment: Variant summary: APC c.8447G>A (p.Arg2816Gln) results in a conservative amino acid change located in the EB-1 binding domain (IPR009232) of the encoded protein sequence. Three of five in-silico tools predict a damaging effect of the variant on protein function. The variant allele was found at a frequency of 1.3e-05 in 237678 control chromosomes. The available data on variant occurrences in the general population are insufficient to allow any conclusion about variant significance. To our knowledge, no occurrence of c.8447G>A in individuals affected with Familial Adenomatous Polyposis and no experimental evidence demonstrating its impact on protein function have been reported. ClinVar contains an entry for this variant (Variation ID: 419681). Based on the evidence outlined above, the variant was classified as uncertain significance.

All of Us Research Program, National Institutes of Health
Classification: Uncertain significance for Classic or attenuated familial adenomatous polyposis. Last evaluated: 2024-08-06. Review status: criteria provided, single submitter. Criteria: ACMG Guidelines, 2015. Collection method: clinical testing. Allele origin: germline. Inheritance: Autosomal dominant inheritance. Observed: 1 variant allele, 1 heterozygote.
Comment: This study involves interpretation of variants in research participants for the purpose of population health screening. Participant phenotype was not available at the time of variant classification. Additional details can be found in publication PMID: 35346344, PMCID: PMC8962531

Color Diagnostics, LLC DBA Color Health
Classification: Uncertain significance for Hereditary cancer-predisposing syndrome. Last evaluated: 2023-12-04. Review status: criteria provided, single submitter. Criteria: ACMG Guidelines, 2015. Collection method: clinical testing. Allele origin: germline.
Comment: This missense variant replaces arginine with glutamine at codon 2816 of the APC protein. Computational prediction suggests that this variant may not impact protein structure and function (internally defined REVEL score threshold <= 0.5, PMID: 27666373). To our knowledge, functional studies have not been reported for this variant. This variant has not been reported in individuals affected with APC-related disorders in the literature. This variant has been identified in 3/237678 chromosomes in the general population by the Genome Aggregation Database (gnomAD). The available evidence is insufficient to determine the role of this variant in disease conclusively. Therefore, this variant is classified as a Variant of Uncertain Significance.

Baylor Genetics
Classification: Uncertain significance for Familial adenomatous polyposis 1. Last evaluated: 2023-09-21. Review status: criteria provided, single submitter. Criteria: ACMG Guidelines, 2015. Collection method: clinical testing. Allele origin: unknown.

Ambry Genetics
Classification: Likely benign for Hereditary cancer-predisposing syndrome. Last evaluated: 2022-04-19. Review status: criteria provided, single submitter. Criteria: Ambry Variant Classification Scheme 2023. Collection method: clinical testing. Allele origin: germline.

GeneDx
Classification: Uncertain significance. Last evaluated: 2015-08-12. Review status: criteria provided, single submitter. Criteria: GeneDx Variant Classification (06012015). Collection method: clinical testing. Allele origin: germline. Affected: yes.
Comment: This variant is denoted APC c.8447G>A at the cDNA level, p.Arg2816Gln (R2816Q) at the protein level, and results in the change of an Arginine to a Glutamine (CGA>CAA). This variant has not, to our knowledge, been published in the literature as either a germline pathogenic variant or a benign polymorphism. However, this variant has been reported as a somatic variant in a colon tumor cell line (Seshagiri 2012, Bourgon 2014). APC Arg2816Gln was not observed in approximately 6,500 individuals of European and African American ancestry in the NHLBI Exome Sequencing Project, indicating it is not a common benign variant in these populations. Since Arginine and Glutamine differ in some properties, this is considered a semi-conservative amino acid substitution. APC Arg2816Gln occurs at a position that is conserved across species and is located within a serine-rich region of the HDLG domain (Azzopardi 2008, UniProt). In silico analyses predict that this variant is probably damaging to protein structure and function. Based on currently available information, it is unclear whether APC Arg2816Gln is pathogenic or benign. We consider it to be a variant of uncertain significance.